The following is an entry in ClinVar:

NM_004855.5(PIGB):c.688A>G (p.Ile230Val)

Gene: PIGB (phosphatidylinositol glycan anchor biosynthesis class B; plus strand). Cytogenetic location: 15q21.3.
Variant type: single nucleotide variant.
Coding change: c.688A>G on transcript NM_004855.5 (MANE Select); coding-DNA position 688, A replaced by G.
Protein change: p.Ile230Val; replaces isoleucine 230 with valine.
Molecular consequence: missense variant.
Genome position (GRCh38, 1-based): chr15:55,333,901, A>G. VCF-style: chr15-55333901-A-G. GRCh37 (hg19) VCF-style: chr15-55626099-A-G.
Other names: short protein forms I230V.
Identifiers: ClinVar variation 2111116 (VCV002111116.4), dbSNP rs1394268996, ClinGen allele CA392542381.
Genomic context (GRCh38, chr15:55,333,901, plus strand): 5'-TCTTATCACACATTTTCCTCTTATAGTGTCAAATACTCATCCCTGGTGGCACTTGCCTTC[A>G]TAATTCGTCCCACAGCTGTCATTCTGTGGACACCTTTGCTCTTCAGACATTTCTGTCAAG-3'
Protein context (NP_004846.4, residues 220-240): KYSSLVALAF[Ile230Val]IRPTAVILWT

ClinVar aggregate classification (germline): Uncertain significance (1 of 4 stars; one submission).

Submission:

Labcorp Genetics (formerly Invitae), Labcorp
Classification: Uncertain significance. Last evaluated: 2025-03-27. Review status: criteria provided, single submitter. Criteria: Invitae Variant Classification Sherloc (09022015). Collection method: clinical testing. Allele origin: germline.
Comment: This sequence change replaces isoleucine, which is neutral and non-polar, with valine, which is neutral and non-polar, at codon 230 of the PIGB protein (p.Ile230Val). This variant is not present in population databases (gnomAD no frequency). This variant has not been reported in the literature in individuals affected with PIGB-related conditions. ClinVar contains an entry for this variant (Variation ID: 2111116). Invitae Evidence Modeling of protein sequence and biophysical properties (such as structural, functional, and spatial information, amino acid conservation, physicochemical variation, residue mobility, and thermodynamic stability) indicates that this missense variant is not expected to disrupt PIGB protein function with a negative predictive value of 80%. In summary, the available evidence is currently insufficient to determine the role of this variant in disease. Therefore, it has been classified as a Variant of Uncertain Significance.